The following is an entry in ClinVar:

NM_001913.5(CUX1):c.1407G>A (p.Glu469=)

Gene: CUX1 (cut like homeobox 1; plus strand). Cytogenetic location: 7q22.1.
Variant type: single nucleotide variant.
Coding change: c.1407G>A on transcript NM_001913.5 (MANE Plus Clinical); coding-DNA position 1407, G replaced by A.
Protein change: p.Glu469=; no amino-acid change (glutamic acid 469 retained).
Molecular consequence: synonymous variant.
Genome position (GRCh38, 1-based): chr7:102,274,267, G>A. VCF-style: chr7-102274267-G-A. GRCh37 (hg19) VCF-style: chr7-101917538-G-A.
Other names: c.1359G>A, p.Glu453= (NM_001202544.3); c.1269G>A, p.Glu423= (NM_001202545.3); c.1290G>A, p.Glu430= (NM_001202546.3); c.1401G>A, p.Glu467= (NM_181500.4).
Identifiers: ClinVar variation 3050219 (VCV003050219.2), dbSNP rs781817976, ClinGen allele CA4411649.
Genomic context (GRCh38, chr7:102,274,267, plus strand): 5'-GCGGAGGCACCTCCTCATCGCTTCCTGTCACCTGCAGGGTGCCGCTGAGCACCGCCTGGA[G>A]AAGATCCCAGAGCCCATCAAAGAGGCCACTGCCCTATTCTACGGTAAGGAGAGGCCTGAC-3'
Protein context (NP_001904.2, residues 459-479): DAEGAAEHRL[Glu469=]KIPEPIKEAT

ClinVar aggregate classification (germline): Likely benign (0 of 4 stars; one submission).

Conditions:
CUX1-related disorder. Also called: CUX1-related condition.

gnomAD v4.1: 1 of 1,613,692 alleles (0.000062%); no homozygotes.

Submission:

PreventionGenetics, part of Exact Sciences
Classification: Likely benign for CUX1-related condition. Last evaluated: 2019-07-15. Review status: no assertion criteria provided. Collection method: clinical testing. Allele origin: germline.
Comment: This variant is classified as likely benign based on ACMG/AMP sequence variant interpretation guidelines (Richards et al. 2015 PMID: 25741868, with internal and published modifications).